The following is an entry in ClinVar:

NM_004006.3(DMD):c.473A>T (p.Asn158Ile)

Gene: DMD (dystrophin; minus strand). Cytogenetic location: Xp21.1.
Variant type: single nucleotide variant.
Coding change: c.473A>T on transcript NM_004006.3 (MANE Select); coding-DNA position 473, A replaced by T.
Protein change: p.Asn158Ile; replaces asparagine 158 with isoleucine.
Molecular consequence: missense variant.
Genome position (GRCh38, 1-based): chrX:32,816,525, T>A on the plus strand (A>T on the coding strand, the complement: DMD is on the minus strand). VCF-style: chrX-32816525-T-A. GRCh37 (hg19) VCF-style: chrX-32834642-T-A.
Other names: c.449A>T, p.Asn150Ile (NM_000109.4); c.461A>T, p.Asn154Ile (NM_004009.3); c.104A>T, p.Asn35Ile (NM_004010.3); short protein forms N158I, N154I, N35I, N150I.
Identifiers: ClinVar variation 3502597 (VCV003502597.1).

ClinVar aggregate classification (germline): Uncertain significance (1 of 4 stars; one submission).

Conditions:
Cardiovascular phenotype. Identifiers: MedGen CN230736.

Submission:

Ambry Genetics
Classification: Uncertain significance for Cardiovascular phenotype. Last evaluated: 2024-10-25. Review status: criteria provided, single submitter. Criteria: Ambry Variant Classification Scheme 2023. Collection method: clinical testing. Allele origin: germline.
Comment: The p.N158I variant (also known as c.473A>T), located in coding exon 6 of the DMD gene, results from an A to T substitution at nucleotide position 473. The asparagine at codon 158 is replaced by isoleucine, an amino acid with dissimilar properties. This amino acid position is highly conserved in available vertebrate species. In addition, this alteration is predicted to be deleterious by in silico analysis. Based on the available evidence, the clinical significance of this variant remains unclear.